The following is an entry in ClinVar:

NM_001287.6(CLCN7):c.*1157C>T

Gene: CLCN7 (chloride voltage-gated channel 7; minus strand). Cytogenetic location: 16p13.3.
Variant type: single nucleotide variant.
Coding change: c.*1157C>T on transcript NM_001287.6 (MANE Select); 1157 bases downstream of the stop codon, C replaced by T.
Molecular consequence: 3 prime UTR variant.
Genome position (GRCh38, 1-based): chr16:1,445,474, G>A on the plus strand (C>T on the coding strand, the complement: CLCN7 is on the minus strand). VCF-style: chr16-1445474-G-A. GRCh37 (hg19) VCF-style: chr16-1495475-G-A.
Other names: c.*1157C>T (NM_001114331.3).
Identifiers: ClinVar variation 317919 (VCV000317919.6), dbSNP rs9921, ClinGen allele CA10647008.

ClinVar aggregate classification (germline): Benign. Review status: criteria provided, multiple submitters, no conflicts (2 of 4 stars). 2 submissions from 2 submitters: Benign (2). Last evaluated 2018-01-13.

Conditions:
Osteopetrosis. Identifiers: Orphanet 2781, MedGen C0029454, MONDO:0017198, HP:0011002.

Allele frequency attached by ClinVar (database versions not stated): 1000 Genomes Project 0.05272; 1000 Genomes Project 30x 0.05715; gnomAD exomes 0.06604; TOPMed 0.06622; gnomAD 0.06755 and 0.06443.
gnomAD v4.1: 9,702 of 151,560 alleles (6.4%); highest among the groups gnomAD compares: African/African-American, 13%; 447 homozygotes.

Submissions (2):

Illumina Laboratory Services, Illumina
Classification: Benign for Osteopetrosis. Last evaluated: 2018-01-13. Review status: criteria provided, single submitter. Criteria: ICSL Variant Classification Criteria 13 December 2019. Collection method: clinical testing. Allele origin: germline.
Comment: This variant was observed in the ICSL laboratory as part of a predisposition screen in an ostensibly healthy population. It had not been previously curated by ICSL or reported in the Human Gene Mutation Database (HGMD: prior to June 1st, 2018), and was therefore a candidate for classification through an automated scoring system. Utilizing variant allele frequency, disease prevalence and penetrance estimates, and inheritance mode, an automated score was calculated to assess if this variant is too frequent to cause the disease. Based on the score and internal cut-off values, a variant classified as benign is not then subjected to further curation. The score for this variant resulted in a classification of benign for this disease.

Breakthrough Genomics
Classification: Benign. Review status: criteria provided, single submitter. Criteria: ACMG Guidelines, 2015. Collection method: not provided. Allele origin: germline. Inheritance: Autosomal recessive inheritance. Affected: yes.